The following is an entry in ClinVar:

ClinVar aggregate classification (germline): Uncertain significance (1 of 4 stars; one submission).

Conditions:
Inborn genetic diseases. Identifiers: MedGen C0950123, MeSH D030342.

Submission:

Ambry Genetics
Classification: Uncertain significance for Inborn genetic diseases. Last evaluated: 2021-04-20. Review status: criteria provided, single submitter. Criteria: Ambry Variant Classification Scheme 2023. Collection method: clinical testing. Allele origin: germline.
Comment: The c.6881+5T>G intronic alteration consists of a T to G substitution nucleotides after coding exon 21 in the LYST gene. Based on insufficient or conflicting evidence, the clinical significance of this alteration remains unclear.

NM_000081.4(LYST):c.6881+5T>G

Gene: LYST (lysosomal trafficking regulator; minus strand). Cytogenetic location: 1q42.3.
Variant type: single nucleotide variant.
Coding change: c.6881+5T>G on transcript NM_000081.4 (MANE Select); 5 bases into the intron after coding-DNA position 6881, T replaced by G.
Molecular consequence: intron variant.
Genome position (GRCh38, 1-based): chr1:235,758,967, A>C on the plus strand (T>G on the coding strand, the complement: LYST is on the minus strand). VCF-style: chr1-235758967-A-C. GRCh37 (hg19) VCF-style: chr1-235922267-A-C.
Other names: c.6881+5T>G (NM_001301365.1).
Identifiers: ClinVar variation 2229166 (VCV002229166.2), dbSNP rs2527801777, ClinGen allele CA2580062331.